The following is an entry in ClinVar:

ClinVar aggregate classification (germline): Uncertain significance (1 of 4 stars; one submission).

Submission:

Labcorp Genetics (formerly Invitae), Labcorp
Classification: Uncertain significance. Last evaluated: 2025-08-10. Review status: criteria provided, single submitter. Criteria: Invitae Variant Classification Sherloc (09022015). Collection method: clinical testing. Allele origin: germline.
Comment: This sequence change creates a premature translational stop signal (p.Pro622Leufs*60) in the GRIN2D gene. It is expected to result in an absent or disrupted protein product. However, the current clinical and genetic evidence is not sufficient to establish whether loss-of-function variants in GRIN2D cause disease. This variant is not present in population databases (gnomAD no frequency). This variant has not been reported in the literature in individuals affected with GRIN2D-related conditions. In summary, the available evidence is currently insufficient to determine the role of this variant in disease. Therefore, it has been classified as a Variant of Uncertain Significance.

NM_000836.4(GRIN2D):c.1865del (p.Pro622fs)

Genes: GRIN2D (glutamate ionotropic receptor NMDA type subunit 2D; plus strand), LOC130064857 (ATAC-STARR-seq lymphoblastoid active region 14894; plus strand). Cytogenetic location: 19q13.33.
Variant type: Deletion.
Coding change: c.1865del on transcript NM_000836.4 (MANE Select); coding-DNA position 1865, one base deleted (C; older notation c.1865delC).
Protein change: p.Pro622fs; shifts the reading frame from proline 622.
Molecular consequence: frameshift variant.
Genome position (GRCh38, 1-based): chr19:48,419,588, C deleted; the last of 3 consecutive C bases (chr19:48,419,586-48,419,588); deleting any one gives the same sequence. VCF-style (leftmost placement, unchanged base first): chr19-48419585-GC-G. GRCh37 (hg19) VCF-style: chr19-48922842-GC-G.
Other names: short protein forms P622fs.
Identifiers: ClinVar variation 4724677 (VCV004724677.1).
Genomic context (GRCh38, chr19:48,419,585, plus strand): 5'-TTTTCCCTTCCTTATTGAGAAGGGATTTGGGGTCCATGTCCACGTCCTGGCCCCCTGCAG[GC>G]CCTGGCGGTTCAACCTTCACCATTGGGAAATCCATCTGGCTGCTCTGGGCCCTGGTGTTC-3'